The following is an entry in ClinVar:

NM_002691.4(POLD1):c.887T>C (p.Val296Ala)

Gene: POLD1 (DNA polymerase delta 1, catalytic subunit; plus strand). Cytogenetic location: 19q13.33.
Variant type: single nucleotide variant.
Coding change: c.887T>C on transcript NM_002691.4 (MANE Select); coding-DNA position 887, T replaced by C.
Protein change: p.Val296Ala; replaces valine 296 with alanine.
Molecular consequence: missense variant. On other transcripts: non-coding transcript variant (1).
Genome position (GRCh38, 1-based): chr19:50,402,658, T>C. VCF-style: chr19-50402658-T-C. GRCh37 (hg19) VCF-style: chr19-50905915-T-C.
Other names: c.887T>C, p.Val296Ala (NM_001256849.1, NM_001308632.1); c.887T>C (NM_002691.2); short protein forms V296A.
Identifiers: ClinVar variation 942060 (VCV000942060.8), dbSNP rs774155133, ClinGen allele CA406976905.
Genomic context (GRCh38, chr19:50,402,658, plus strand): 5'-ACCCATGCCCACAGGCTACGCAGTGCCAGCTGGAGGCGGACGTGCTGTGGTCTGACGTGG[T>C]CAGTCACCCACCGGAAGGGCCATGGCAGCGCATTGCGCCCTTGCGCGTGCTCAGCTTCGA-3'
Protein context (NP_002682.2, residues 286-306): LEADVLWSDV[Val296Ala]SHPPEGPWQR

ClinVar aggregate classification (germline): Uncertain significance. Review status: criteria provided, multiple submitters, no conflicts (2 of 4 stars). 2 submissions from 2 submitters: Uncertain significance (2). Last evaluated 2024-06-05.

Conditions:
Hereditary cancer-predisposing syndrome. Also called: Hereditary neoplastic syndrome; Tumor predisposition; Neoplastic Syndromes, Hereditary; Hereditary Cancer Syndrome. Identifiers: Orphanet 140162, MedGen C0027672, MeSH D009386, MONDO:0015356.
POLD1-related polyposis and colorectal cancer syndrome (CRCS10). Also called: Colorectal cancer 10; COLORECTAL CANCER, SUSCEPTIBILITY TO, ON CHROMOSOME 19q; Colorectal cancer, susceptibility to, 10. Identifiers: Orphanet 220460, MedGen C2675481, MONDO:0012953, OMIM 612591.

Allele frequency attached by ClinVar (database versions not stated): gnomAD 0.00001.

Submissions (2):

Ambry Genetics
Classification: Uncertain significance for Hereditary cancer-predisposing syndrome. Last evaluated: 2024-06-05. Review status: criteria provided, single submitter. Criteria: Ambry Variant Classification Scheme 2023. Collection method: clinical testing. Allele origin: germline.
Comment: The p.V296A variant (also known as c.887T>C), located in coding exon 7 of the POLD1 gene, results from a T to C substitution at nucleotide position 887. The valine at codon 296 is replaced by alanine, an amino acid with similar properties. This amino acid position is conserved. In addition, this alteration is predicted to be tolerated by in silico analysis. Based on the available evidence, the clinical significance of this variant remains unclear.

Labcorp Genetics (formerly Invitae), Labcorp
Classification: Uncertain significance for POLD1-related polyposis and colorectal cancer syndrome. Last evaluated: 2024-02-18. Review status: criteria provided, single submitter. Criteria: Invitae Variant Classification Sherloc (09022015). Collection method: clinical testing. Allele origin: germline.
Comment: This sequence change replaces valine, which is neutral and non-polar, with alanine, which is neutral and non-polar, at codon 296 of the POLD1 protein (p.Val296Ala). This variant is not present in population databases (gnomAD no frequency). This variant has not been reported in the literature in individuals affected with POLD1-related conditions. ClinVar contains an entry for this variant (Variation ID: 942060). Advanced modeling of protein sequence and biophysical properties (such as structural, functional, and spatial information, amino acid conservation, physicochemical variation, residue mobility, and thermodynamic stability) performed at Invitae indicates that this missense variant is not expected to disrupt POLD1 protein function with a negative predictive value of 80%. In summary, the available evidence is currently insufficient to determine the role of this variant in disease. Therefore, it has been classified as a Variant of Uncertain Significance.